The following is an entry in ClinVar:

NM_000517.6(HBA2):c.8_9insTGTT (p.Ser4fs)

Genes: HBA2 (hemoglobin subunit alpha 2; plus strand), LOC106804612 (hemoglobin subunit alpha 2 recombination region; plus strand). Cytogenetic location: 16p13.3.
Variant type: Insertion.
Coding change: c.8_9insTGTT on transcript NM_000517.6 (MANE Select); coding-DNA positions 8 to 9, TGTT inserted.
Protein change: p.Ser4fs; shifts the reading frame from serine 4.
Molecular consequence: frameshift variant.
Genome position: GRCh38 VCF-style: chr16-172919-C-CTTGT. GRCh37 (hg19) VCF-style: chr16-222918-C-CTTGT.
Other names: short protein forms S4fs.
Identifiers: ClinVar variation 4818676 (VCV004818676.1).

ClinVar aggregate classification (germline): Likely pathogenic (1 of 4 stars; one submission).

Conditions:
alpha Thalassemia. Also called: Alpha thalassemia spectrum. Identifiers: Orphanet 846, MedGen C0002312, MONDO:0011399, OMIM 604131.

Submission:

Natera, Inc.
Classification: Likely pathogenic for Alpha thalassemia. Last evaluated: 2024-05-28. Review status: criteria provided, single submitter. Criteria: Natera Variant Classification Schema (03/2026). Collection method: clinical testing. Allele origin: germline.
Comment: The c.8_9insTGTT variant in HBA2 is a frameshift variant predicted to shift the reading frame beginning at codon 4 and leads to a stop codon 15 codons downstream. This variant is expected to result in nonsense mediated decay, truncation, or a dysfunctional protein product. This variant is rare in the general population with a frequency below the threshold expected for the associated phenotype(s). Given the available evidence, this variant is classified as Likely Pathogenic.